The following is an entry in ClinVar:

NM_000875.5(IGF1R):c.3349G>T (p.Gly1117Ter)

Gene: IGF1R (insulin like growth factor 1 receptor; plus strand). Cytogenetic location: 15q26.3.
Variant type: single nucleotide variant.
Coding change: c.3349G>T on transcript NM_000875.5 (MANE Select); coding-DNA position 3349, G replaced by T.
Protein change: p.Gly1117Ter; replaces glycine 1117 with a stop codon.
Molecular consequence: nonsense.
Genome position (GRCh38, 1-based): chr15:98,939,252, G>T. VCF-style: chr15-98939252-G-T. GRCh37 (hg19) VCF-style: chr15-99482481-G-T.
Other names: c.3346G>T, p.Gly1116Ter (NM_001291858.2); short protein forms G1116*, G1117*.
Identifiers: ClinVar variation 4539828 (VCV004539828.1).

ClinVar aggregate classification (germline): Likely pathogenic (1 of 4 stars; one submission).

Conditions:
Growth delay due to insulin-like growth factor I resistance. Also called: IGF-I RESISTANCE; Insulin-Like Growth Factor I Resistance; Somatomedin end-organ insensitivity to; Somatomedin-c resistance to; IGF-1 resistance. Identifiers: Orphanet 73273, MedGen C1849157, MONDO:0010038, OMIM 270450.

Submission:

Medical Genetics and Prenatal Diagnosis Center, Guangxi Academy of Medical Sciences and the People’s Hospital of Guangxi Zhuang Autonomous Region
Classification: Likely pathogenic for Growth delay due to insulin-like growth factor I resistance. Review status: criteria provided, single submitter. Criteria: ACMG Guidelines, 2015. Collection method: clinical testing. Allele origin: paternal. Affected: yes.
Comment: NM_000875.5(IGF1R):c.3349G>T is a nonsense mutation predicted to cause premature termination of protein synthesis. This variant creates a premature termination codon, leading to a truncated protein product and predicted loss of normal gene function (PVS1); this variant was not detected in the 1000 Genomes Project (1000G), the China Genome Database, the Exome Aggregation Consortium (ExAC), or the Genome Aggregation Database (gnomAD) (PM2_Supporting). In summary, based on the evidence presented and in accordance with the ACMG Guidelines, 2015 (PMID: 25741868), the above evidence supports classifying this variant as Likely Pathogenic for Insulin-like growth factor I, resistance to, with the classification criteria being PVS1 and PM2_Supporting.